The following is an entry in ClinVar:

ClinVar aggregate classification (germline): Pathogenic (1 of 4 stars; one submission).

Conditions:
Hereditary diffuse gastric adenocarcinoma (HDGC). Also called: DIFFUSE GASTRIC AND LOBULAR BREAST CANCER SYNDROME. Identifiers: Orphanet 26106, MedGen C1708349, MONDO:0007648, OMIM 137215.

Submission:

Myriad Genetics, Inc.
Classification: Pathogenic for Hereditary diffuse gastric adenocarcinoma. Last evaluated: 2023-06-15. Review status: criteria provided, single submitter. Criteria: Myriad Autosomal Dominant, Autosomal Recessive and X-Linked Classification Criteria (2023). Collection method: clinical testing. Allele origin: unknown.
Comment: This variant is considered pathogenic. This variant creates a frameshift predicted to result in premature protein truncation.

NM_004360.5(CDH1):c.2351_2352del (p.Arg784fs)

Gene: CDH1 (cadherin 1; plus strand). Cytogenetic location: 16q22.1.
Variant type: Deletion.
Coding change: c.2351_2352del on transcript NM_004360.5 (MANE Select); coding-DNA positions 2351 to 2352, 2 bases deleted (GT; older notation c.2351_2352delGT).
Protein change: p.Arg784fs; shifts the reading frame from arginine 784.
Molecular consequence: frameshift variant.
Genome position (GRCh38, 1-based): chr16:68,829,709-68,829,710, GT deleted. VCF-style (leftmost placement, unchanged base first): chr16-68829708-CGT-C. GRCh37 (hg19) VCF-style: chr16-68863611-CGT-C.
Other names: c.2168_2169del, p.Arg723fs (NM_001317184.2); c.803_804del, p.Arg268fs (NM_001317185.2); c.386_387del, p.Arg129fs (NM_001317186.2); short protein forms R129fs, R268fs, R723fs, R784fs.
Identifiers: ClinVar variation 2583636 (VCV002583636.2), dbSNP rs2543957062, ClinGen allele CA2582342529.